The following is an entry in ClinVar:

NM_001127208.3(TET2):c.2282C>T (p.Pro761Leu)

Genes: TET2 (tet methylcytosine dioxygenase 2; plus strand), TET2-AS1 (TET2 antisense RNA 1; minus strand). Cytogenetic location: 4q24.
Variant type: single nucleotide variant.
Coding change: c.2282C>T on transcript NM_001127208.3 (MANE Select); coding-DNA position 2282, C replaced by T.
Protein change: p.Pro761Leu; replaces proline 761 with leucine.
Molecular consequence: missense variant.
Genome position (GRCh38, 1-based): chr4:105,236,224, C>T. VCF-style: chr4-105236224-C-T. GRCh37 (hg19) VCF-style: chr4-106157381-C-T.
Other names: c.2282C>T, p.Pro761Leu (NM_017628.4); short protein forms P761L.
Identifiers: ClinVar variation 3025947 (VCV003025947.23), dbSNP rs200327850, ClinGen allele CA3031850.

ClinVar aggregate classification (germline): Uncertain significance. Review status: criteria provided, multiple submitters, no conflicts (2 of 4 stars). 2 submissions from 2 submitters: Uncertain significance (2). Last evaluated 2025-07-20.

Allele frequency attached by ClinVar (database versions not stated): TOPMed 0.00001; ExAC 0.00004.
gnomAD v4.1: 21 of 1,614,046 alleles (0.0013%); highest among the groups gnomAD compares: East Asian, 0.018%; no homozygotes.

Submissions (2):

Labcorp Genetics (formerly Invitae), Labcorp
Classification: Uncertain significance. Last evaluated: 2025-07-20. Review status: criteria provided, single submitter. Criteria: Invitae Variant Classification Sherloc (09022015). Collection method: clinical testing. Allele origin: germline.
Comment: This sequence change replaces proline, which is neutral and non-polar, with leucine, which is neutral and non-polar, at codon 761 of the TET2 protein (p.Pro761Leu). This variant is present in population databases (rs200327850, gnomAD 0.05%). This variant has not been reported in the literature in individuals affected with TET2-related conditions. ClinVar contains an entry for this variant (Variation ID: 3025947). An algorithm developed to predict the effect of missense changes on protein structure and function (PolyPhen-2) suggests that this variant is likely to be tolerated. In summary, the available evidence is currently insufficient to determine the role of this variant in disease. Therefore, it has been classified as a Variant of Uncertain Significance.

CeGaT Center for Human Genetics Tuebingen
Classification: Uncertain significance. Last evaluated: 2024-01-01. Review status: criteria provided, single submitter. Criteria: CeGaT Center For Human Genetics Tuebingen Variant Classification Criteria Version 2. Collection method: clinical testing. Allele origin: germline. Affected: yes. Observed: 1 variant allele.
Comment: TET2: PM2, BP4